The following is an entry in ClinVar:

NM_004304.5(ALK):c.1688A>T (p.Asn563Ile)

Gene: ALK (ALK receptor tyrosine kinase; minus strand). Cytogenetic location: 2p23.2.
Variant type: single nucleotide variant.
Coding change: c.1688A>T on transcript NM_004304.5 (MANE Select); coding-DNA position 1688, A replaced by T.
Protein change: p.Asn563Ile; replaces asparagine 563 with isoleucine.
Molecular consequence: missense variant.
Genome position (GRCh38, 1-based): chr2:29,297,017, T>A on the plus strand (A>T on the coding strand, the complement: ALK is on the minus strand). VCF-style: chr2-29297017-T-A. GRCh37 (hg19) VCF-style: chr2-29519883-T-A.
Other names: short protein forms N563I.
Identifiers: ClinVar variation 4824809 (VCV004824809.1).

ClinVar aggregate classification (germline): Uncertain significance (1 of 4 stars; one submission).

Conditions:
Hereditary cancer-predisposing syndrome. Also called: Neoplastic Syndromes, Hereditary; Hereditary neoplastic syndrome; Tumor predisposition; Hereditary Cancer Syndrome. Identifiers: Orphanet 140162, MedGen C0027672, MeSH D009386, MONDO:0015356.

Submission:

Ambry Genetics
Classification: Uncertain significance for Hereditary cancer-predisposing syndrome. Last evaluated: 2026-01-18. Review status: criteria provided, single submitter. Criteria: Ambry Variant Classification Scheme 2023. Collection method: clinical testing. Allele origin: germline.
Comment: The p.N563I variant (also known as c.1688A>T), located in coding exon 9 of the ALK gene, results from an A to T substitution at nucleotide position 1688. The asparagine at codon 563 is replaced by isoleucine, an amino acid with dissimilar properties. This amino acid position is conserved. In addition, this alteration is predicted to be tolerated by in silico analysis. Based on the available evidence, the clinical significance of this variant remains unclear.